The following is an entry in ClinVar:

ClinVar aggregate classification (germline): Benign/Likely benign. Review status: criteria provided, multiple submitters, no conflicts (2 of 4 stars). 2 submissions from 2 submitters: Benign (1); Likely benign (1). Last evaluated 2022-05-01.

Allele frequency attached by ClinVar (database versions not stated): TOPMed 0.00006; ESP Exome Variant Server 0.00024; gnomAD 0.00027.
gnomAD v4.1: 322 of 1,564,720 alleles (0.021%); highest among the groups gnomAD compares: Non-Finnish European, 0.017%; 2 homozygotes.

Submissions (2):

CeGaT Center for Human Genetics Tuebingen
Classification: Likely benign. Last evaluated: 2022-05-01. Review status: criteria provided, single submitter. Criteria: CeGaT Center For Human Genetics Tuebingen Variant Classification Criteria Version 2. Collection method: clinical testing. Allele origin: germline. Affected: yes. Observed: 1 variant allele.
Comment: LINGO1: BP4, BP7

Labcorp Genetics (formerly Invitae), Labcorp
Classification: Benign. Last evaluated: 2018-08-03. Review status: criteria provided, single submitter. Criteria: Invitae Variant Classification Sherloc (09022015). Collection method: clinical testing. Allele origin: germline.

NM_032808.7(LINGO1):c.114G>A (p.Ser38=)

Gene: LINGO1 (leucine rich repeat and Ig domain containing 1; minus strand). Cytogenetic location: 15q24.3.
Variant type: single nucleotide variant.
Coding change: c.114G>A on transcript NM_032808.7 (MANE Select); coding-DNA position 114, G replaced by A.
Protein change: p.Ser38=; no amino-acid change (serine 38 retained).
Molecular consequence: synonymous variant.
Genome position (GRCh38, 1-based): chr15:77,615,793, C>T on the plus strand (G>A on the coding strand, the complement: LINGO1 is on the minus strand). VCF-style: chr15-77615793-C-T. GRCh37 (hg19) VCF-style: chr15-77908135-C-T.
Other names: c.96G>A, p.Ser32= (NM_001301186.2, NM_001301187.2, NM_001301189.2 and 8 more transcripts).
Identifiers: ClinVar variation 757205 (VCV000757205.27), dbSNP rs371015975, ClinGen allele CA7678034.